The following is an entry in ClinVar:

NM_005908.4(MANBA):c.2416-227C>T

Gene: MANBA (mannosidase beta; minus strand). Cytogenetic location: 4q24.
Variant type: single nucleotide variant.
Coding change: c.2416-227C>T on transcript NM_005908.4 (MANE Select); 227 bases into the intron before coding-DNA position 2416, C replaced by T.
Molecular consequence: intron variant.
Genome position (GRCh38, 1-based): chr4:102,632,508, G>A on the plus strand (C>T on the coding strand, the complement: MANBA is on the minus strand). VCF-style: chr4-102632508-G-A. GRCh37 (hg19) VCF-style: chr4-103553665-G-A.
Identifiers: ClinVar variation 667481 (VCV000667481.1), dbSNP rs735404, ClinGen allele CA11909025.
Genomic context (GRCh38, chr4:102,632,508, plus strand): 5'-AAAATGACTACAGGCTATGGAACGTTACCAAATTATAATCACAAATCAAGGAAATACATC[G>A]TCTCCAATCATTAAGGAGAATATTTCACAAGAAGCTCAAAGCTTTACATCTTTTACAGTT-3'

ClinVar aggregate classification (germline): Benign (1 of 4 stars; one submission).

Allele frequency attached by ClinVar (database versions not stated): 1000 Genomes Project 0.55072; gnomAD 0.55112 and 0.55490; 1000 Genomes Project 30x 0.56074; TOPMed 0.56696.
gnomAD v4.1: 83,831 of 152,084 alleles (55%); highest among the groups gnomAD compares: African/African-American, 63%; 23,546 homozygotes.

Submission:

GeneDx
Classification: Benign. Last evaluated: 2018-06-19. Review status: criteria provided, single submitter. Criteria: GeneDx Variant Classification (06012015). Collection method: clinical testing. Allele origin: germline. Affected: yes.
Comment: This variant is considered likely benign or benign based on one or more of the following criteria: it is a conservative change, it occurs at a poorly conserved position in the protein, it is predicted to be benign by multiple in silico algorithms, and/or has population frequency not consistent with disease.